The following is an entry in ClinVar:

ClinVar aggregate classification (germline): Pathogenic. Review status: criteria provided, multiple submitters, no conflicts (2 of 4 stars). 2 submissions from 2 submitters: Pathogenic (2). Last evaluated 2017-10-20.

Conditions:
Osteogenesis imperfecta type I (OI1). Also called: Lobstein's Disease; Lobstein disease; Classic Non-deforming Osteogenesis Imperfecta with Blue Sclerae; OI, TYPE I; OSTEOGENESIS IMPERFECTA TARDA; OSTEOGENESIS IMPERFECTA WITH BLUE SCLERAE. Identifiers: Orphanet 216796, Orphanet 666, MedGen C0023931, MONDO:0008146, OMIM 166200. Disease mechanism: loss of function.

Submissions (2):

GeneDx
Classification: Pathogenic. Last evaluated: 2017-10-20. Review status: criteria provided, single submitter. Criteria: GeneDx Variant Classification (06012015). Collection method: clinical testing. Allele origin: germline. Affected: yes.
Comment: The G416D variant has not been published as a pathogenic variant, nor has it been reported as a benign variant to our knowledge. G416D occurs in the triple helical domain and replaces the Glycine in the canonical Gly-X-Y repeat. Variants in these Glycines result in poor winding of the collagen triple helix and a less functional protein. G416D is not observed in large population cohorts (Lek et al., 2016). The G416D variant is a non-conservative amino acid substitution, which is likely to impact secondary protein structure as these residues differ in polarity, charge, size and/or other properties. This substitution occurs at a position conserved across species. In silico analysis predicts this variant is probably damaging to the protein structure/function. Missense variants in nearby Glycine residues (G413A, P417A, G422C) have been reported in the Human Gene Mutation Database in association with osteogenesis imperfecta (Stenson et al., 2014), supporting the functional importance of this region of the protein.

MVZ Martinsried, Medicover Genetics
Classification: Pathogenic for Osteogenesis imperfecta type I. Last evaluated: 2017-03-30. Review status: criteria provided, single submitter. Criteria: ACMG Guidelines, 2015. Collection method: clinical testing. Allele origin: unknown. Affected: yes.

NM_000088.4(COL1A1):c.1247G>A (p.Gly416Asp)

Gene: COL1A1 (collagen type I alpha 1 chain; minus strand). Cytogenetic location: 17q21.33.
Variant type: single nucleotide variant.
Coding change: c.1247G>A on transcript NM_000088.4 (MANE Select); coding-DNA position 1247, G replaced by A.
Protein change: p.Gly416Asp; replaces glycine 416 with aspartic acid.
Molecular consequence: missense variant.
Genome position (GRCh38, 1-based): chr17:50,195,284, C>T on the plus strand (G>A on the coding strand, the complement: COL1A1 is on the minus strand). VCF-style: chr17-50195284-C-T. GRCh37 (hg19) VCF-style: chr17-48272645-C-T.
Other names: short protein forms G416D.
Identifiers: ClinVar variation 431382 (VCV000431382.2), dbSNP rs1135401953, ClinGen allele CA400218794.